The following is an entry in ClinVar:

ClinVar aggregate classification (germline): Likely benign. Review status: criteria provided, multiple submitters, no conflicts (2 of 4 stars). 3 submissions from 3 submitters: Likely benign (2). 1 of the submissions does not count toward it. Last evaluated 2022-09-24.

Conditions:
WFS1-related disorder. Identifiers: MedGen CN379391, MONDO:0700293.

Allele frequency attached by ClinVar (database versions not stated): ExAC 0.00003.

Submissions (3):

Labcorp Genetics (formerly Invitae), Labcorp
Classification: Likely benign. Last evaluated: 2022-09-24. Review status: criteria provided, single submitter. Criteria: Invitae Variant Classification Sherloc (09022015). Collection method: clinical testing. Allele origin: germline.

Blueprint Genetics
Classification: Likely benign. Last evaluated: 2020-02-26. Review status: criteria provided, single submitter. Criteria: ACMG Guidelines, 2015. Collection method: clinical testing. Allele origin: germline.

PreventionGenetics, part of Exact Sciences
Classification: Likely benign for WFS1-related condition. Last evaluated: 2020-02-18. Review status: no assertion criteria provided. Collection method: clinical testing. Allele origin: germline. Not counted in ClinVar's aggregate classification.
Comment: This variant is classified as likely benign based on ACMG/AMP sequence variant interpretation guidelines (Richards et al. 2015 PMID: 25741868, with internal and published modifications).

NM_006005.3(WFS1):c.2154T>C (p.Ser718=)

Gene: WFS1 (wolframin ER transmembrane glycoprotein; plus strand). Cytogenetic location: 4p16.1.
Variant type: single nucleotide variant.
Coding change: c.2154T>C on transcript NM_006005.3 (MANE Select); coding-DNA position 2154, T replaced by C.
Protein change: p.Ser718=; no amino-acid change (serine 718 retained).
Molecular consequence: synonymous variant.
Genome position (GRCh38, 1-based): chr4:6,301,949, T>C. VCF-style: chr4-6301949-T-C. GRCh37 (hg19) VCF-style: chr4-6303676-T-C.
Other names: c.2154T>C, p.Ser718= (NM_001145853.1).
Identifiers: ClinVar variation 2139997 (VCV002139997.7), dbSNP rs775842664, ClinGen allele CA2839624.